The following is an entry in ClinVar:

ClinVar aggregate classification (germline): Uncertain significance (1 of 4 stars; one submission).

Conditions:
Hereditary cancer-predisposing syndrome. Also called: Neoplastic Syndromes, Hereditary; Tumor predisposition; Hereditary Cancer Syndrome; Hereditary neoplastic syndrome. Identifiers: Orphanet 140162, MedGen C0027672, MeSH D009386, MONDO:0015356.

Submission:

Ambry Genetics
Classification: Uncertain significance for Hereditary cancer-predisposing syndrome. Last evaluated: 2025-10-24. Review status: criteria provided, single submitter. Criteria: Ambry Variant Classification Scheme 2023. Collection method: clinical testing. Allele origin: germline.
Comment: The p.T1249S variant (also known as c.3745A>T), located in coding exon 9 of the BRCA1 gene, results from an A to T substitution at nucleotide position 3745. The threonine at codon 1249 is replaced by serine, an amino acid with similar properties. This amino acid position is not well conserved in available vertebrate species. In addition, the in silico prediction for this alteration is inconclusive. Based on the available evidence, the clinical significance of this variant remains unclear.

NM_007294.4(BRCA1):c.3745A>T (p.Thr1249Ser)

Genes: BRCA1 (BRCA1 DNA repair associated; minus strand), LOC126862571 (BRD4-independent group 4 enhancer GRCh37_chr17:41243136-41244335; plus strand). Cytogenetic location: 17q21.31.
Variant type: single nucleotide variant.
Coding change: c.3745A>T on transcript NM_007294.4 (MANE Select); coding-DNA position 3745, A replaced by T.
Protein change: p.Thr1249Ser; replaces threonine 1249 with serine.
Molecular consequence: missense variant. On other transcripts: intron variant (135).
Genome position (GRCh38, 1-based): chr17:43,091,786, T>A on the plus strand (A>T on the coding strand, the complement: BRCA1 is on the minus strand). VCF-style: chr17-43091786-T-A. GRCh37 (hg19) VCF-style: chr17-41243803-T-A.
Other names: c.3532A>T, p.Thr1178Ser (NM_001407571.1, NM_001407853.1, NM_001407894.1 and 9 more transcripts); c.3745A>T, p.Thr1249Ser (NM_001407581.1, NM_001407582.1, NM_001407583.1 and 30 more transcripts); c.3742A>T, p.Thr1248Ser (NM_001407587.1, NM_001407590.1, NM_001407591.1 and 22 more transcripts); c.647-754A>T (NM_001408469.1, NM_001408453.1, NM_001408461.1 and 11 more transcripts); c.785-754A>T (NM_001408397.1, NM_001408401.1, NM_001408396.1 and 13 more transcripts); c.665-754A>T (NM_001408436.1, NM_001408444.1, NM_001408438.1 and 12 more transcripts); c.788-754A>T (NM_001407980.1, NM_001407993.1, NM_001407976.1 and 17 more transcripts); c.653-754A>T (NM_001408451.1); and 41 more; short protein forms T1137S, T1138S, T1208S, T1222S, T1246S, T1249S, T953S, T1122S.
Identifiers: ClinVar variation 4625310 (VCV004625310.1).